The following is an entry in ClinVar:

NM_001048174.2(MUTYH):c.290G>C (p.Arg97Thr)

Gene: MUTYH (mutY DNA glycosylase; minus strand). Cytogenetic location: 1p34.1.
Variant type: single nucleotide variant.
Coding change: c.290G>C on transcript NM_001048174.2 (MANE Select); coding-DNA position 290, G replaced by C.
Protein change: p.Arg97Thr; replaces arginine 97 with threonine.
Molecular consequence: missense variant. On other transcripts: non-coding transcript variant (7).
Genome position (GRCh38, 1-based): chr1:45,333,299, C>G on the plus strand (G>C on the coding strand, the complement: MUTYH is on the minus strand). VCF-style: chr1-45333299-C-G. GRCh37 (hg19) VCF-style: chr1-45798971-C-G.
Other names: c.290G>C, p.Arg97Thr (NM_001048171.2, NM_001048173.2, NM_001293195.2 and 6 more transcripts); c.293G>C, p.Arg98Thr (NM_001048172.2, NM_001407071.1, NM_001407078.1 and 2 more transcripts); c.374G>C, p.Arg125Thr (NM_001128425.2); c.335G>C, p.Arg112Thr (NM_001293190.2); c.323G>C, p.Arg108Thr (NM_001293191.2, NM_001407077.1); c.14G>C, p.Arg5Thr (NM_001293192.2, NM_001293196.2, NM_001407091.1); c.19G>C, p.Gly7Arg (NM_001350650.2, NM_001350651.2, NM_001407082.1); c.365G>C, p.Arg122Thr (NM_001407069.1, NM_012222.3); and 3 more; short protein forms R5T, R97T, R112T, R69T, R108T, R111T, G7R, R104T.
Identifiers: ClinVar variation 4113641 (VCV004113641.1).
Genomic context (GRCh38, chr1:45,333,299, plus strand): 5'-AAGGGCCTCGAGGCAAAGTGGCCCTGCTCTCAGGAGATGTACTGACCAGCATATGCCCGC[C>G]TGTCCAGGTCCATCTCATCTTCTGCCTGTCAATGCAACCCCAGATGAGGAGTTAGGGTGG-3'
Protein context (NP_001041639.1, residues 87-107): RRAEDEMDLD[Arg97Thr]RAYAVWVSEV

ClinVar aggregate classification (germline): Uncertain significance (1 of 4 stars; one submission).

Conditions:
Hereditary cancer-predisposing syndrome. Also called: Hereditary neoplastic syndrome; Neoplastic Syndromes, Hereditary; Tumor predisposition; Hereditary Cancer Syndrome. Identifiers: Orphanet 140162, MedGen C0027672, MeSH D009386, MONDO:0015356.

Submission:

Ambry Genetics
Classification: Uncertain significance for Hereditary cancer-predisposing syndrome. Last evaluated: 2025-08-27. Review status: criteria provided, single submitter. Criteria: Ambry Variant Classification Scheme 2023. Collection method: clinical testing. Allele origin: germline.
Comment: The p.R125T variant (also known as c.374G>C), located in coding exon 4 of the MUTYH gene, results from a G to C substitution at nucleotide position 374. The arginine at codon 125 is replaced by threonine, an amino acid with similar properties. This amino acid position is conserved. In addition, the in silico prediction for this alteration is inconclusive. Based on the available evidence, the clinical significance of this variant remains unclear.